The following is an entry in ClinVar:

NM_003490.4(SYN3):c.1250C>T (p.Ala417Val)

Gene: SYN3 (synapsin III; minus strand). Cytogenetic location: 22q12.3.
Variant type: single nucleotide variant.
Coding change: c.1250C>T on transcript NM_003490.4 (MANE Select); coding-DNA position 1250, C replaced by T.
Protein change: p.Ala417Val; replaces alanine 417 with valine.
Molecular consequence: missense variant.
Genome position (GRCh38, 1-based): chr22:32,527,986, G>A on the plus strand (C>T on the coding strand, the complement: SYN3 is on the minus strand). VCF-style: chr22-32527986-G-A. GRCh37 (hg19) VCF-style: chr22-32923973-G-A.
Other names: c.1247C>T, p.Ala416Val (NM_001135774.2, NM_001369909.1, NM_001369910.1); c.1250C>T, p.Ala417Val (NM_001369907.1, NM_001369908.1, NM_133633.3); short protein forms A416V, A417V.
Identifiers: ClinVar variation 100827 (VCV000100827.2), dbSNP rs483352708, ClinGen allele CA229077.

ClinVar aggregate classification (germline): Uncertain significance. Review status: no assertion criteria provided (0 of 4 stars). 2 submissions from 1 submitter: Uncertain significance (1). 1 of the submissions does not count toward it.

Allele frequency attached by ClinVar (database versions not stated): gnomAD exomes below 0.00001; gnomAD 0.00001; TOPMed 0.00002.
gnomAD v4.1: 3 of 1,585,158 alleles (0.00019%); highest among the groups gnomAD compares: Admixed American, 0.0018%; no homozygotes.

Submissions (2):

Richard Lifton Laboratory, Yale University School of Medicine
Classification: Uncertain significance. Review status: no assertion criteria provided. Collection method: not provided. Allele origin: somatic.
Comment: SYN3:p.S416L
ClinVar note: Converted during submission from unknown to Uncertain significance.

Richard Lifton Laboratory, Yale University School of Medicine
Classification: Uncertain significance. Review status: flagged submission. Collection method: not provided. Allele origin: somatic. Not counted in ClinVar's aggregate classification.
ClinVar note: Converted during submission from unknown to Uncertain significance.
ClinVar note: Reason: This record appears to be redundant with a more recent record from the same submitter.
ClinVar note: Notes: SCV000120047 appears to be redundant with SCV000155150.